The following is an entry in ClinVar:

NM_198253.3(TERT):c.2752G>A (p.Ala918Thr)

Gene: TERT (telomerase reverse transcriptase; minus strand). Cytogenetic location: 5p15.33.
Variant type: single nucleotide variant.
Coding change: c.2752G>A on transcript NM_198253.3 (MANE Select); coding-DNA position 2752, G replaced by A.
Protein change: p.Ala918Thr; replaces alanine 918 with threonine.
Molecular consequence: missense variant. On other transcripts: intron variant (1).
Genome position (GRCh38, 1-based): chr5:1,264,495, C>T on the plus strand (G>A on the coding strand, the complement: TERT is on the minus strand). VCF-style: chr5-1264495-C-T. GRCh37 (hg19) VCF-style: chr5-1264610-C-T.
Other names: c.2654+1969G>A (NM_001193376.3); short protein forms A918T.
Identifiers: ClinVar variation 956386 (VCV000956386.8), dbSNP rs1748456485, ClinGen allele CA359071871.
Genomic context (GRCh38, chr5:1,264,495, plus strand): 5'-GGGTATCCAGCAGCAGGCCGCACCAGGGGAATAGGCCGTGGGCCGGCATCTGAACAAAAG[C>T]CGTGCCACCCAGGGCCTCGTCTTCTACAGGGAAGTTCACCACTGTCTTCCGCAAGTTCAC-3'
Protein context (NP_937983.2, residues 908-928): PVEDEALGGT[Ala918Thr]FVQMPAHGLF

ClinVar aggregate classification (germline): Uncertain significance. Review status: criteria provided, multiple submitters, no conflicts (2 of 4 stars). 2 submissions from 2 submitters: Uncertain significance (2). Last evaluated 2025-01-25.

Conditions:
Dyskeratosis congenita, autosomal dominant 2. Identifiers: MedGen C3151443, MONDO:0013521, OMIM 613989.
Idiopathic Pulmonary Fibrosis. Also called: Idiopathic fibrosing alveolitis, chronic form; idiopathic fibrosing alveolitis. Identifiers: Orphanet 2032, MedGen C1800706, MeSH D054990, MONDO:0800504.
Dyskeratosis congenita. Identifiers: Orphanet 1775, MedGen C0265965, MONDO:0015780.

Submissions (2):

Ambry Genetics
Classification: Uncertain significance for Dyskeratosis congenita. Last evaluated: 2025-01-25. Review status: criteria provided, single submitter. Criteria: Ambry Variant Classification Scheme 2023. Collection method: clinical testing. Allele origin: germline.
Comment: The p.A918T variant (also known as c.2752G>A), located in coding exon 11 of the TERT gene, results from a G to A substitution at nucleotide position 2752. The alanine at codon 918 is replaced by threonine, an amino acid with similar properties. This amino acid position is conserved. In addition, this alteration is predicted to be tolerated by in silico analysis. Based on the available evidence, the clinical significance of this variant remains unclear.

Labcorp Genetics (formerly Invitae), Labcorp
Classification: Uncertain significance for Dyskeratosis congenita, autosomal dominant 2; Idiopathic Pulmonary Fibrosis. Last evaluated: 2021-08-31. Review status: criteria provided, single submitter. Criteria: Invitae Variant Classification Sherloc (09022015). Collection method: clinical testing. Allele origin: germline.
Comment: This sequence change replaces alanine with threonine at codon 918 of the TERT protein (p.Ala918Thr). The alanine residue is weakly conserved and there is a small physicochemical difference between alanine and threonine. This variant is not present in population databases (ExAC no frequency). This variant has not been reported in the literature in individuals affected with TERT-related conditions. Algorithms developed to predict the effect of missense changes on protein structure and function output the following: SIFT: "Tolerated"; PolyPhen-2: "Benign"; Align-GVGD: "Class C0". The threonine amino acid residue is found in multiple mammalian species, which suggests that this missense change does not adversely affect protein function. In summary, the available evidence is currently insufficient to determine the role of this variant in disease. Therefore, it has been classified as a Variant of Uncertain Significance.